The following is an entry in ClinVar:

NM_031475.3(ESPN):c.545_559del (p.Glu182_Glu186del)

Gene: ESPN (espin; plus strand). Cytogenetic location: 1p36.31.
Variant type: Deletion.
Coding change: c.545_559del on transcript NM_031475.3 (MANE Select); coding-DNA positions 545 to 559, 15 bases deleted (AGGGCCACCTGGAGG).
Protein change: p.Glu182_Glu186del.
Molecular consequence: inframe deletion.
Genome position (GRCh38, 1-based): chr1:6,440,310-6,440,324, AGGGCCACCTGGAGG deleted; deleting any 15 consecutive bases within chr1:6,440,307-6,440,324 gives the same sequence; the c. name uses the placement nearest the transcript's 3' end. VCF-style (leftmost placement, unchanged base first): chr1-6440306-CAGGAGGGCCACCTGG-C. GRCh37 (hg19) VCF-style: chr1-6500366-CAGGAGGGCCACCTGG-C.
Other names: c.545_559del, p.Glu182_Glu186del (NM_001367473.1, NM_001367474.1).
Identifiers: ClinVar variation 5009615 (VCV005009615.1).

ClinVar aggregate classification (germline): Uncertain significance (1 of 4 stars; one submission).

Submission:

GeneDx
Classification: Uncertain significance. Last evaluated: 2026-03-04. Review status: criteria provided, single submitter. Criteria: GeneDx Variant Classification Process June 2021. Collection method: clinical testing. Allele origin: germline.
Comment: Not observed at significant frequency in large population cohorts (gnomAD); In-frame deletion of 5 amino acid(s) in a non-repeat region; In silico analysis suggests that this variant does not alter protein structure/function; Has not been previously published as pathogenic or benign to our knowledge; In silico analysis is inconclusive as to whether the variant alters gene splicing. In the absence of RNA/functional studies, the actual effect of this sequence change is unknown.